The following is an entry in ClinVar:

ClinVar aggregate classification (germline): Benign/Likely benign. Review status: criteria provided, multiple submitters, no conflicts (2 of 4 stars). 3 submissions from 3 submitters: Benign (1); Likely benign (2). Last evaluated 2024-11-24.

Conditions:
Early-infantile DEE. Also called: Ohtahara syndrome; Early infantile epileptic encephalopathy; Early infantile epileptic encephalopathy with suppression bursts. Identifiers: Orphanet 1934, MedGen C0393706, MONDO:0800491.
Inborn genetic diseases. Identifiers: MedGen C0950123, MeSH D030342.

Allele frequency attached by ClinVar (database versions not stated): ExAC 0.00001; gnomAD 0.00001; gnomAD exomes 0.00001; TOPMed 0.00003.
gnomAD v4.1: 18 of 1,614,220 alleles (0.0011%); highest among the groups gnomAD compares: Middle Eastern, 0.016%; no homozygotes.

Submissions (3):

Labcorp Genetics (formerly Invitae), Labcorp
Classification: Benign for Early-infantile DEE. Last evaluated: 2024-11-24. Review status: criteria provided, single submitter. Criteria: Invitae Variant Classification Sherloc (09022015). Collection method: clinical testing. Allele origin: germline.

CeGaT Center for Human Genetics Tuebingen
Classification: Likely benign. Last evaluated: 2023-05-01. Review status: criteria provided, single submitter. Criteria: CeGaT Center For Human Genetics Tuebingen Variant Classification Criteria Version 2. Collection method: clinical testing. Allele origin: germline. Affected: yes. Observed: 1 variant allele.
Comment: GNAO1: BP4, BP7

Ambry Genetics
Classification: Likely benign for Inborn genetic diseases. Last evaluated: 2018-01-22. Review status: criteria provided, single submitter. Criteria: Ambry Variant Classification Scheme 2023. Collection method: clinical testing. Allele origin: germline.

NM_020988.3(GNAO1):c.399C>T (p.Gly133=)

Gene: GNAO1 (G protein subunit alpha o1; plus strand). Cytogenetic location: 16q13.
Variant type: single nucleotide variant.
Coding change: c.399C>T on transcript NM_020988.3 (MANE Select); coding-DNA position 399, C replaced by T.
Protein change: p.Gly133=; no amino-acid change (glycine 133 retained).
Molecular consequence: synonymous variant.
Genome position (GRCh38, 1-based): chr16:56,328,726, C>T. VCF-style: chr16-56328726-C-T. GRCh37 (hg19) VCF-style: chr16-56362638-C-T.
Other names: c.399C>T, p.Gly133= (NM_138736.3).
Identifiers: ClinVar variation 1165281 (VCV001165281.38), dbSNP rs556058539, ClinGen allele CA8063749.
Genomic context (GRCh38, chr16:56,328,726, plus strand): 5'-GATGGAAGACACCGAGCCCTTCTCTGCAGAGCTGCTTTCTGCCATGATGCGGCTCTGGGG[C>T]GACTCAGGAATCCAAGAGTGCTTCAACCGGTCCCGGGAGTATCAGCTCAACGACTCTGCC-3'
Protein context (NP_066268.1, residues 123-143): ELLSAMMRLW[Gly133=]DSGIQECFNR